The following is an entry in ClinVar:

ClinVar aggregate classification (germline): Uncertain significance. Review status: criteria provided, multiple submitters, no conflicts (2 of 4 stars). 9 submissions from 9 submitters: Uncertain significance (8). 1 of the submissions does not count toward it. Last evaluated 2025-11-04.

Conditions:
Monogenic short stature.
Aplastic anemia. Identifiers: Orphanet 182040, Orphanet 88, MedGen C0002874, MONDO:0015909, OMIM 609135, HP:0001915.
Microcephaly, normal intelligence and immunodeficiency (NBS). Also called: Immunodeficiency, microcephaly with normal intelligence; SEEMANOVA SYNDROME II; Nijmegen breakage syndrome; Microcephaly with normal intelligence immunodeficiency and lymphoreticular malignancies; Nonsyndromal microcephaly autosomal recessive with normal intelligence; Seemanova syndrome 2. Identifiers: Orphanet 647, MedGen C0398791, MONDO:0009623, OMIM 251260.
Acute lymphoid leukemia (ALL). Also called: Acute lymphoblastic leukemia; Acute lymphocytic leukemia; Leukemia, acute lymphoblastic, somatic; Lymphoblastic leukemia. Identifiers: Orphanet 513, MedGen C0023449, MONDO:0004967, OMIM 613065, HP:0006721.
Hereditary cancer-predisposing syndrome. Also called: Neoplastic Syndromes, Hereditary; Hereditary Cancer Syndrome; Hereditary neoplastic syndrome; Tumor predisposition. Identifiers: Orphanet 140162, MedGen C0027672, MeSH D009386, MONDO:0015356.

Allele frequency attached by ClinVar (database versions not stated): gnomAD exomes 0.00001; ExAC 0.00002; TOPMed 0.00005; gnomAD 0.00007.
gnomAD v4.1: 37 of 1,613,364 alleles (0.0023%); highest among the groups gnomAD compares: Non-Finnish European, 0.003%; no homozygotes.

Submissions (10):

Ambry Genetics
Classification: Uncertain significance for Hereditary cancer-predisposing syndrome. Last evaluated: 2025-11-04. Review status: criteria provided, single submitter. Criteria: Ambry Variant Classification Scheme 2023. Collection method: clinical testing. Allele origin: germline.
Comment: The p.T76N variant (also known as c.227C>A), located in coding exon 3 of the NBN gene, results from a C to A substitution at nucleotide position 227. The threonine at codon 76 is replaced by asparagine, an amino acid with similar properties. This variant has been reported in 1/1120 pediatric cancer patients who underwent whole genome sequencing and/or whole exome sequencing (Zhang J et al. N Engl J Med, 2015 Dec;373:2336-2346). This amino acid position is highly conserved in available vertebrate species. In addition, the in silico prediction for this alteration is inconclusive. Since supporting evidence is limited at this time, the clinical significance of this alteration remains unclear.

Cambridge Genomics Laboratory, East Genomic Laboratory Hub, NHS Genomic Medicine Service
Classification: Uncertain significance for Monogenic short stature. Last evaluated: 2025-06-02. Review status: criteria provided, single submitter. Criteria: ACGS Best Practice Guidelines for Variant Classification in Rare Disease 2020. Collection method: clinical testing. Allele origin: germline. Affected: yes.
Comment: PM2,PP3

Quest Diagnostics Nichols Institute San Juan Capistrano
Classification: Uncertain significance. Last evaluated: 2025-04-04. Review status: criteria provided, single submitter. Criteria: Quest Diagnostics criteria. Collection method: clinical testing. Allele origin: unknown.

GeneDx
Classification: Uncertain significance. Last evaluated: 2024-09-04. Review status: criteria provided, single submitter. Criteria: GeneDx Variant Classification Process June 2021. Collection method: clinical testing. Allele origin: germline. Affected: yes.
Comment: Not observed at significant frequency in large population cohorts (gnomAD); In silico analysis supports that this missense variant has a deleterious effect on protein structure/function; Observed in an individual with advanced cancer or acute lymphoblastic leukemia (ALL) in published literature (PMID: 28873162, 26580448, 36346689); This variant is associated with the following publications: (PMID: 24894818, 36346689, 26580448, 28873162)

Fulgent Genetics
Classification: Uncertain significance for Microcephaly, normal intelligence and immunodeficiency; Aplastic anemia; Acute lymphoid leukemia. Last evaluated: 2024-03-11. Review status: criteria provided, single submitter. Criteria: ACMG Guidelines, 2015. Collection method: clinical testing. Allele origin: germline.

Baylor Genetics
Classification: Uncertain significance for Aplastic anemia. Last evaluated: 2023-10-16. Review status: criteria provided, single submitter. Criteria: ACMG Guidelines, 2015. Collection method: clinical testing. Allele origin: unknown.

Labcorp Genetics (formerly Invitae), Labcorp
Classification: Uncertain significance for Microcephaly, normal intelligence and immunodeficiency. Last evaluated: 2022-08-23. Review status: criteria provided, single submitter. Criteria: Invitae Variant Classification Sherloc (09022015). Collection method: clinical testing. Allele origin: germline.
Comment: This sequence change replaces threonine, which is neutral and polar, with asparagine, which is neutral and polar, at codon 76 of the NBN protein (p.Thr76Asn). This variant is present in population databases (rs587781412, gnomAD 0.002%). This variant has not been reported in the literature in individuals affected with NBN-related conditions. ClinVar contains an entry for this variant (Variation ID: 140980). Algorithms developed to predict the effect of missense changes on protein structure and function are either unavailable or do not agree on the potential impact of this missense change (SIFT: "Deleterious"; PolyPhen-2: "Probably Damaging"; Align-GVGD: "Class C0"). RNA analysis performed to evaluate the impact of this missense change on mRNA splicing indicates it does not significantly alter splicing (Invitae). In summary, the available evidence is currently insufficient to determine the role of this variant in disease. Therefore, it has been classified as a Variant of Uncertain Significance.

Genome-Nilou Lab
Classification: Uncertain significance for Microcephaly, normal intelligence and immunodeficiency. Last evaluated: 2021-11-07. Review status: criteria provided, single submitter. Criteria: ACMG Guidelines, 2015. Collection method: clinical testing. Allele origin: germline. Affected: no.

Natera, Inc.
Classification: Uncertain significance for Nijmegen breakage syndrome. Last evaluated: 2021-04-06. Review status: no assertion criteria provided. Collection method: clinical testing. Allele origin: germline. Not counted in ClinVar's aggregate classification.

Dr. Peter K. Rogan Lab, Western University
No classification provided (evidence only). Condition: Malignant tumor of urinary bladder. Review status: no classification provided. Collection method: in vitro. Allele origin: not applicable. Functional consequence: skipped exon. Not counted in ClinVar's aggregate classification.

Literature cited by the submitters: PubMed 26580448 (cited by Ambry Genetics and Quest Diagnostics Nichols Institute San Juan Capistrano); PubMed 36346689 (cited by Quest Diagnostics Nichols Institute San Juan Capistrano).

NM_002485.5(NBN):c.227C>A (p.Thr76Asn)

Gene: NBN (nibrin; minus strand). Cytogenetic location: 8q21.3.
Variant type: single nucleotide variant.
Coding change: c.227C>A on transcript NM_002485.5 (MANE Select); coding-DNA position 227, C replaced by A.
Protein change: p.Thr76Asn; replaces threonine 76 with asparagine.
Molecular consequence: missense variant. On other transcripts: 5 prime UTR variant (1).
Genome position (GRCh38, 1-based): chr8:89,981,468, G>T on the plus strand (C>A on the coding strand, the complement: NBN is on the minus strand). VCF-style: chr8-89981468-G-T. GRCh37 (hg19) VCF-style: chr8-90993696-G-T.
Other names: p.T76N:ACC>AAC; c.-20C>A (NM_001024688.3); short protein forms T76N.
Identifiers: ClinVar variation 140980 (VCV000140980.31), dbSNP rs587781412, ClinGen allele CA294017.
Genomic context (GRCh38, chr8:89,981,468, plus strand): 5'-CCATCCCCCGACTTCAAAGTTCGGGAAAAGCCATTCTGCATTTTTTCCTCATTAACAAAG[G>T]TACCATACTTAGAATTATCTTTTAATGTCAATACAGGGATTTCATCTGTTTGACTCTGAA-3'
Protein context (NP_002476.2, residues 66-86): LTLKDNSKYG[Thr76Asn]FVNEEKMQNG